The following is an entry in ClinVar:

NM_001267550.2(TTN):c.59937G>A (p.Gly19979=)

Genes: TTN-AS1 (TTN antisense RNA 1; plus strand), TTN (titin; minus strand), LOC126806424 (CDK7 strongly-dependent group 2 enhancer GRCh37_chr2:179456337-179457536; plus strand). Cytogenetic location: 2q31.2.
Variant type: single nucleotide variant.
Coding change: c.59937G>A on transcript NM_001267550.2 (MANE Select); coding-DNA position 59937, G replaced by A.
Protein change: p.Gly19979=; no amino-acid change (glycine 19979 retained).
Molecular consequence: synonymous variant.
Genome position (GRCh38, 1-based): chr2:178,591,882, C>T on the plus strand (G>A on the coding strand, the complement: TTN is on the minus strand). VCF-style: chr2-178591882-C-T. GRCh37 (hg19) VCF-style: chr2-179456609-C-T.
Other names: c.32742G>A, p.Gly10914= (NM_003319.4); c.52233G>A, p.Gly17411= (NM_133378.4); c.55014G>A, p.Gly18338= (NM_001256850.1); c.33117G>A, p.Gly11039= (NM_133432.3); c.33318G>A, p.Gly11106= (NM_133437.4).
Identifiers: ClinVar variation 179752 (VCV000179752.29), dbSNP rs727505101, ClinGen allele CA185068.

ClinVar aggregate classification (germline): Conflicting classifications of pathogenicity. Review status: criteria provided, conflicting classifications (1 of 4 stars). 6 submissions from 6 submitters: Uncertain significance (1); Likely benign (5). Last evaluated 2025-12-23.

Conditions:
Cardiovascular phenotype. Identifiers: MedGen CN230736.
Dilated cardiomyopathy 1G (CMD1G). Identifiers: Orphanet 154, MedGen C1858763, MONDO:0011400, OMIM 604145.
Autosomal recessive limb-girdle muscular dystrophy type 2J (LGMDR10). Also called: Limb-girdle muscular dystrophy, type 2J; MUSCULAR DYSTROPHY, LIMB-GIRDLE, AUTOSOMAL RECESSIVE 10. Identifiers: Orphanet 140922, MedGen C1837342, MONDO:0012127, OMIM 608807.

Allele frequency attached by ClinVar (database versions not stated): ExAC 0.00002; gnomAD 0.00002; gnomAD exomes 0.00002; TOPMed 0.00004.
gnomAD v4.1: 32 of 1,608,044 alleles (0.002%); highest among the groups gnomAD compares: East Asian, 0.0045%; no homozygotes.

Submissions (6):

Labcorp Genetics (formerly Invitae), Labcorp
Classification: Likely benign for Dilated cardiomyopathy 1G; Autosomal recessive limb-girdle muscular dystrophy type 2J. Last evaluated: 2025-12-23. Review status: criteria provided, single submitter. Criteria: Invitae Variant Classification Sherloc (09022015). Collection method: clinical testing. Allele origin: germline.

Women's Health and Genetics/Laboratory Corporation of America, LabCorp
Classification: Likely benign. Last evaluated: 2022-05-23. Review status: criteria provided, single submitter. Criteria: LabCorp Variant Classification Summary - May 2015. Collection method: clinical testing. Allele origin: germline.

GeneDx
Classification: Likely benign. Last evaluated: 2019-07-19. Review status: criteria provided, single submitter. Criteria: GeneDx Variant Classification Process June 2021. Collection method: clinical testing. Allele origin: germline. Affected: yes.

Eurofins Ntd Llc (ga)
Classification: Uncertain significance. Last evaluated: 2017-05-23. Review status: criteria provided, single submitter. Criteria: EGL Classification Definitions 2015. Collection method: clinical testing. Allele origin: germline. Observed: 2 variant alleles, 2 heterozygotes.

Ambry Genetics
Classification: Likely benign for Cardiovascular phenotype. Last evaluated: 2016-05-31. Review status: criteria provided, single submitter. Criteria: Ambry Variant Classification Scheme 2023. Collection method: clinical testing. Allele origin: germline.

Laboratory for Molecular Medicine, Mass General Brigham Personalized Medicine
Classification: Likely benign. Last evaluated: 2014-05-06. Review status: criteria provided, single submitter. Criteria: LMM Criteria. Collection method: clinical testing. Allele origin: germline. Observed: 1 variant allele.
Comment: Gly17411Gly in exon 252 of TTN: This variant is not expected to have clinical si gnificance because it does not alter an amino acid residue and is not located wi thin the splice consensus sequence.